The following is an entry in ClinVar:

ClinVar aggregate classification (germline): Uncertain significance (1 of 4 stars; one submission).

Conditions:
Hereditary cancer-predisposing syndrome. Also called: Tumor predisposition; Hereditary neoplastic syndrome; Hereditary Cancer Syndrome; Neoplastic Syndromes, Hereditary. Identifiers: Orphanet 140162, MedGen C0027672, MeSH D009386, MONDO:0015356.

Submission:

Ambry Genetics
Classification: Uncertain significance for Hereditary cancer-predisposing syndrome. Last evaluated: 2025-04-29. Review status: criteria provided, single submitter. Criteria: Ambry Variant Classification Scheme 2023. Collection method: clinical testing. Allele origin: germline.
Comment: The c.5178-3dupC intronic variant, results from a duplication of two nucleotides at nucleotide position 5178 before intron 33 of the ATM gene. This nucleotide position is highly conserved in available vertebrate species. In silico splice site analysis predicts that this alteration will not have any significant effect on splicing. Based on the available evidence, the clinical significance of this variant remains unclear.

NM_000051.4(ATM):c.5178-3dup

Gene: ATM (ATM serine/threonine kinase; plus strand). Cytogenetic location: 11q22.3.
Variant type: Duplication.
Coding change: c.5178-3dup on transcript NM_000051.4 (MANE Select); 3 bases into the intron before coding-DNA position 5178, one base duplicated (C; older notation c.5178-3dupC).
Molecular consequence: intron variant.
Genome position (GRCh38, 1-based): chr11:108,301,645, C duplicated. VCF-style (leftmost placement, unchanged base first): chr11-108301644-T-TC. GRCh37 (hg19) VCF-style: chr11-108172371-T-TC.
Other names: c.5178-3dup (NM_001351834.2).
Identifiers: ClinVar variation 3966383 (VCV003966383.1).